The following is an entry in ClinVar:

NM_138393.4(REEP6):c.418G>A (p.Val140Met)

Gene: REEP6 (receptor accessory protein 6; plus strand). Cytogenetic location: 19p13.3.
Variant type: single nucleotide variant.
Coding change: c.418G>A on transcript NM_138393.4 (MANE Select); coding-DNA position 418, G replaced by A.
Protein change: p.Val140Met; replaces valine 140 with methionine.
Molecular consequence: missense variant.
Genome position (GRCh38, 1-based): chr19:1,496,354, G>A. VCF-style: chr19-1496354-G-A. GRCh37 (hg19) VCF-style: chr19-1496353-G-A.
Other names: c.418G>A, p.Val140Met (NM_001329556.3); short protein forms V140M.
Identifiers: ClinVar variation 1478240 (VCV001478240.5), dbSNP rs760209254, ClinGen allele CA9047565.
Genomic context (GRCh38, chr19:1,496,354, plus strand): 5'-CTGTTGTTCTGCATGGCTCCCAGGCCCTGGAACGGGGCTCTCATGCTGTATCAGCGCGTC[G>A]TGCGTCCGCTGTTCCTAAGGCACCACGGGGCCGTAGACAGAATCATGAACGACCTCAGCG-3'
Protein context (NP_612402.1, residues 130-150): NGALMLYQRV[Val140Met]RPLFLRHHGA

ClinVar aggregate classification (germline): Uncertain significance (1 of 4 stars; one submission).

Allele frequency attached by ClinVar (database versions not stated): gnomAD exomes below 0.00001 and 0.00001; ExAC 0.00002.

Submission:

Labcorp Genetics (formerly Invitae), Labcorp
Classification: Uncertain significance. Last evaluated: 2024-10-25. Review status: criteria provided, single submitter. Criteria: Invitae Variant Classification Sherloc (09022015). Collection method: clinical testing. Allele origin: germline.
Comment: This sequence change replaces valine with methionine at codon 140 of the REEP6 protein (p.Val140Met). The valine residue is weakly conserved and there is a small physicochemical difference between valine and methionine. This variant is present in population databases (rs760209254, gnomAD 0.006%). This variant has not been reported in the literature in individuals affected with REEP6-related conditions. ClinVar contains an entry for this variant (Variation ID: 1478240). Experimental studies and prediction algorithms are not available or were not evaluated, and the functional significance of this variant is currently unknown. In summary, the available evidence is currently insufficient to determine the role of this variant in disease. Therefore, it has been classified as a Variant of Uncertain Significance.